The following is an entry in ClinVar:

ClinVar aggregate classification (germline): Pathogenic (1 of 4 stars; one submission).

Submission:

Labcorp Genetics (formerly Invitae), Labcorp
Classification: Pathogenic. Last evaluated: 2022-03-09. Review status: criteria provided, single submitter. Criteria: Invitae Variant Classification Sherloc (09022015). Collection method: clinical testing. Allele origin: germline.
Comment: For these reasons, this variant has been classified as Pathogenic. This variant is also known as c.1083delG. This frameshift has been observed in individual(s) with Waardenburg syndrome 2 (PMID: 27759048, 29407415). In at least one individual the variant was observed to be de novo. This variant is not present in population databases (gnomAD no frequency). This sequence change results in a frameshift in the SOX10 gene (p.Gln364Argfs*138). While this is not anticipated to result in nonsense mediated decay, it is expected to disrupt the last 103 amino acid(s) of the SOX10 protein and extend the protein by 34 additional amino acid residues.

Literature cited by the submitters: PubMed 27759048; PubMed 29407415.

NM_006941.4(SOX10):c.1086del (p.Gln364fs)

Genes: POLR2F (RNA polymerase II, I and III subunit F; plus strand), SOX10 (SRY-box transcription factor 10; minus strand). Cytogenetic location: 22q13.1.
Variant type: Deletion.
Coding change: c.1086del on transcript NM_006941.4 (MANE Select); coding-DNA position 1086, one base deleted (G; older notation c.1086delG).
Protein change: p.Gln364fs; shifts the reading frame from glutamine 364.
Molecular consequence: frameshift variant. On other transcripts: intron variant (3).
Genome position (GRCh38, 1-based): chr22:37,973,810, C deleted on the plus strand (G on the coding strand, the reverse complement: SOX10 is on the minus strand); the first of 4 consecutive C bases (chr22:37,973,810-37,973,813); deleting any one gives the same sequence. VCF-style (leftmost placement, unchanged base first): chr22-37973809-GC-G. GRCh37 (hg19) VCF-style: chr22-38369816-GC-G.
Other names: c.*38+1503del (NM_001363825.1); c.293+6643del (NM_001301130.2, NM_001301131.2); short protein forms Q364fs.
Identifiers: ClinVar variation 1386978 (VCV001386978.7), dbSNP rs2145761047, ClinGen allele CA2573158183.